The following is an entry in ClinVar:

ClinVar aggregate classification (germline): Benign (1 of 4 stars; one submission).

Conditions:
Melanoma-pancreatic cancer syndrome. Identifiers: Orphanet 404560, MedGen C1838547, MONDO:0011713, OMIM 606719. Disease mechanism: loss of function.

Submission:

Myriad Genetics, Inc.
Classification: Benign for Melanoma-pancreatic cancer syndrome. Last evaluated: 2025-08-12. Review status: criteria provided, single submitter. Criteria: Myriad Autosomal Dominant, Autosomal Recessive and X-Linked Classification Criteria (2023). Collection method: clinical testing. Allele origin: unknown.
Comment: This variant is considered benign. This variant is a silent/synonymous amino acid change and it is not expected to impact splicing.

NM_058195.4(CDKN2A):c.168G>T (p.Gly56=)

Gene: CDKN2A (cyclin dependent kinase inhibitor 2A; minus strand). Cytogenetic location: 9p21.3.
Variant type: single nucleotide variant.
Coding change: c.168G>T on transcript NM_058195.4 (MANE Plus Clinical); coding-DNA position 168, G replaced by T.
Protein change: p.Gly56=; no amino-acid change (glycine 56 retained).
Molecular consequence: synonymous variant. On other transcripts: intron variant (1).
Genome position (GRCh38, 1-based): chr9:21,994,164, C>A on the plus strand (G>T on the coding strand, the complement: CDKN2A is on the minus strand). VCF-style: chr9-21994164-C-A. GRCh37 (hg19) VCF-style: chr9-21994163-C-A.
Other names: c.-4+657G>T (NM_001363763.2).
Identifiers: ClinVar variation 4294170 (VCV004294170.1).